The following is an entry in ClinVar:

ClinVar aggregate classification (germline): Uncertain significance (1 of 4 stars; one submission).

Submission:

Ambry Genetics
Classification: Uncertain significance. Last evaluated: 2024-04-10. Review status: criteria provided, single submitter. Criteria: Ambry Variant Classification Scheme 2023. Collection method: clinical testing. Allele origin: germline.
Comment: The p.L172F variant (also known as c.514C>T), located in coding exon 1 of the TERF2IP gene, results from a C to T substitution at nucleotide position 514. The leucine at codon 172 is replaced by phenylalanine, an amino acid with highly similar properties. This amino acid position is conserved. In addition, this alteration is predicted to be tolerated by in silico analysis. Since supporting evidence is limited at this time, the clinical significance of this alteration remains unclear.

NM_018975.4(TERF2IP):c.514C>T (p.Leu172Phe)

Gene: TERF2IP (TERF2 interacting protein; plus strand). Cytogenetic location: 16q23.1.
Variant type: single nucleotide variant.
Coding change: c.514C>T on transcript NM_018975.4 (MANE Select); coding-DNA position 514, C replaced by T.
Protein change: p.Leu172Phe; replaces leucine 172 with phenylalanine.
Molecular consequence: missense variant. On other transcripts: non-coding transcript variant (1).
Genome position (GRCh38, 1-based): chr16:75,648,396, C>T. VCF-style: chr16-75648396-C-T. GRCh37 (hg19) VCF-style: chr16-75682294-C-T.
Other names: short protein forms L172F.
Identifiers: ClinVar variation 1745658 (VCV001745658.3), dbSNP rs2507074571, ClinGen allele CA396818067.
Genomic context (GRCh38, chr16:75,648,396, plus strand): 5'-GCCCGCTCGCCCAGCTCCGTCACCGGTAACGCCTTGTGGAAAGCGATGGAGAAGAGCTCG[C>T]TCACGCAGCACTCGTGGCAGTCCCTGAAGGACCGCTACCTCAAGCACCTGCGGGGCCAGG-3'
Protein context (NP_061848.2, residues 162-182): ALWKAMEKSS[Leu172Phe]TQHSWQSLKD